The following is an entry in ClinVar:

ClinVar aggregate classification (germline): Likely benign (1 of 4 stars; one submission).

Conditions:
ADAMTSL1-related disorder. Also called: ADAMTSL1-related condition.

gnomAD v4.1: 102 of 1,613,544 alleles (0.0063%); highest among the groups gnomAD compares: Non-Finnish European, 0.0075%; no homozygotes.

Submission:

PreventionGenetics, part of Exact Sciences
Classification: Likely benign for ADAMTSL1-related condition. Last evaluated: 2026-01-23. Review status: criteria provided, single submitter. Criteria: ACMG Guidelines, 2015. Collection method: clinical testing. Allele origin: germline.
Comment: This variant is classified as likely benign based on ACMG/AMP sequence variant interpretation guidelines (Richards et al. 2015 PMID: 25741868, with internal and published modifications).

NM_001040272.6(ADAMTSL1):c.4038G>A (p.Ser1346=)

Gene: ADAMTSL1 (ADAMTS like 1; plus strand). Cytogenetic location: 9p22.1.
Variant type: single nucleotide variant.
Coding change: c.4038G>A on transcript NM_001040272.6 (MANE Select); coding-DNA position 4038, G replaced by A.
Protein change: p.Ser1346=; no amino-acid change (serine 1346 retained).
Molecular consequence: synonymous variant.
Genome position (GRCh38, 1-based): chr9:18,826,387, G>A. VCF-style: chr9-18826387-G-A. GRCh37 (hg19) VCF-style: chr9-18826385-G-A.
Identifiers: ClinVar variation 4980420 (VCV004980420.1).